The following is an entry in ClinVar:

ClinVar aggregate classification (germline): Uncertain significance (1 of 4 stars; one submission).

Submission:

Labcorp Genetics (formerly Invitae), Labcorp
Classification: Uncertain significance. Last evaluated: 2023-02-22. Review status: criteria provided, single submitter. Criteria: Invitae Variant Classification Sherloc (09022015). Collection method: clinical testing. Allele origin: germline.
Comment: This variant has not been reported in the literature in individuals affected with GFAP-related conditions. In summary, the available evidence is currently insufficient to determine the role of this variant in disease. Therefore, it has been classified as a Variant of Uncertain Significance. Advanced modeling of protein sequence and biophysical properties (such as structural, functional, and spatial information, amino acid conservation, physicochemical variation, residue mobility, and thermodynamic stability) has been performed at Invitae for this missense variant, however the output from this modeling did not meet the statistical confidence thresholds required to predict the impact of this variant on GFAP protein function. This variant is not present in population databases (gnomAD no frequency). This sequence change replaces alanine, which is neutral and non-polar, with threonine, which is neutral and polar, at codon 234 of the GFAP protein (p.Ala234Thr).

NM_002055.5(GFAP):c.700G>A (p.Ala234Thr)

Gene: GFAP (glial fibrillary acidic protein; minus strand). Cytogenetic location: 17q21.31.
Variant type: single nucleotide variant.
Coding change: c.700G>A on transcript NM_002055.5 (MANE Select); coding-DNA position 700, G replaced by A.
Protein change: p.Ala234Thr; replaces alanine 234 with threonine.
Molecular consequence: missense variant.
Genome position (GRCh38, 1-based): chr17:44,913,349, C>T on the plus strand (G>A on the coding strand, the complement: GFAP is on the minus strand). VCF-style: chr17-44913349-C-T. GRCh37 (hg19) VCF-style: chr17-42990717-C-T.
Other names: c.700G>A, p.Ala234Thr (NM_001131019.3, NM_001242376.3, NM_001363846.2); short protein forms A234T.
Identifiers: ClinVar variation 2840017 (VCV002840017.3), dbSNP rs2508940505, ClinGen allele CA399845758.